The following is an entry in ClinVar:

ClinVar aggregate classification (germline): Pathogenic (1 of 4 stars; one submission).

Submission:

Labcorp Genetics (formerly Invitae), Labcorp
Classification: Pathogenic. Last evaluated: 2024-10-29. Review status: criteria provided, single submitter. Criteria: Invitae Variant Classification Sherloc (09022015). Collection method: clinical testing. Allele origin: germline.
Comment: This sequence change creates a premature translational stop signal (p.Ser468*) in the CHM gene. It is expected to result in an absent or disrupted protein product. Loss-of-function variants in CHM are known to be pathogenic (PMID: 9067750, 23811034). This variant is not present in population databases (gnomAD no frequency). This premature translational stop signal has been observed in individual(s) with choroideremia (PMID: 29555028). ClinVar contains an entry for this variant (Variation ID: 2138621). Algorithms developed to predict the effect of sequence changes on RNA splicing suggest that this variant may disrupt the consensus splice site. For these reasons, this variant has been classified as Pathogenic.

Literature cited by the submitters: PubMed 9067750; PubMed 23811034; PubMed 29555028.

NM_000390.4(CHM):c.1403C>G (p.Ser468Ter)

Gene: CHM (CHM Rab escort protein; minus strand). Cytogenetic location: Xq21.2.
Variant type: single nucleotide variant.
Coding change: c.1403C>G on transcript NM_000390.4 (MANE Select); coding-DNA position 1403, C replaced by G.
Protein change: p.Ser468Ter; replaces serine 468 with a stop codon.
Molecular consequence: nonsense.
Genome position (GRCh38, 1-based): chrX:85,900,656, G>C on the plus strand (C>G on the coding strand, the complement: CHM is on the minus strand). VCF-style: chrX-85900656-G-C. GRCh37 (hg19) VCF-style: chrX-85155661-G-C.
Other names: c.959C>G, p.Ser320Ter (NM_001320959.1, NM_001362517.1, NM_001362518.2 and 1 more transcripts); short protein forms S468*, S320*.
Identifiers: ClinVar variation 2138621 (VCV002138621.4), dbSNP rs2520095426, ClinGen allele CA413789246.